The following is an entry in ClinVar:

NM_004168.4(SDHA):c.834C>T (p.Ala278=)

Gene: SDHA (succinate dehydrogenase complex flavoprotein subunit A; plus strand). Cytogenetic location: 5p15.33.
Variant type: single nucleotide variant.
Coding change: c.834C>T on transcript NM_004168.4 (MANE Select); coding-DNA position 834, C replaced by T.
Protein change: p.Ala278=; no amino-acid change (alanine 278 retained).
Molecular consequence: synonymous variant.
Genome position (GRCh38, 1-based): chr5:230,939, C>T. VCF-style: chr5-230939-C-T. GRCh37 (hg19) VCF-style: chr5-231054-C-T.
Other names: c.690C>T, p.Ala230= (NM_001294332.2); c.834C>T, p.Ala278= (NM_001330758.2).
Identifiers: ClinVar variation 472409 (VCV000472409.32), dbSNP rs1553998649, ClinGen allele CA442691500.

ClinVar aggregate classification (germline): Benign/Likely benign. Review status: criteria provided, multiple submitters, no conflicts (2 of 4 stars). 4 submissions from 4 submitters: Benign (1); Likely benign (3). Last evaluated 2025-08-10.

Conditions:
Hereditary cancer-predisposing syndrome. Also called: Hereditary neoplastic syndrome; Tumor predisposition; Neoplastic Syndromes, Hereditary; Hereditary Cancer Syndrome. Identifiers: Orphanet 140162, MedGen C0027672, MeSH D009386, MONDO:0015356.
Pheochromocytoma/paraganglioma syndrome 5. Also called: Paragangliomas 5; SDHA-Related Hereditary Paraganglioma-Pheochromocytoma Syndrome. Identifiers: Orphanet 29072, MedGen C3279992, MONDO:0013602, OMIM 614165.
Mitochondrial complex II deficiency, nuclear type 1. Also called: SUCCINATE CoQ REDUCTASE DEFICIENCY. Identifiers: Orphanet 3208, MedGen C5700310, MONDO:0100294, OMIM 252011.

Allele frequency attached by ClinVar (database versions not stated): gnomAD exomes 0.00001; TOPMed below 0.00001.
gnomAD v4.1: 9 of 1,614,042 alleles (0.00056%); highest among the groups gnomAD compares: Non-Finnish European, 0.00076%; no homozygotes.

Submissions (4):

Labcorp Genetics (formerly Invitae), Labcorp
Classification: Likely benign for Pheochromocytoma/paraganglioma syndrome 5; Mitochondrial complex II deficiency, nuclear type 1. Last evaluated: 2025-08-10. Review status: criteria provided, single submitter. Criteria: Invitae Variant Classification Sherloc (09022015). Collection method: clinical testing. Allele origin: germline.

Myriad Genetics, Inc.
Classification: Benign for Pheochromocytoma/paraganglioma syndrome 5. Last evaluated: 2025-03-03. Review status: criteria provided, single submitter. Criteria: Myriad Autosomal Dominant, Autosomal Recessive and X-Linked Classification Criteria (2023). Collection method: clinical testing. Allele origin: unknown.
Comment: This variant is considered benign. This variant is a silent/synonymous amino acid change and it is not expected to impact splicing.

CeGaT Center for Human Genetics Tuebingen
Classification: Likely benign. Last evaluated: 2024-08-01. Review status: criteria provided, single submitter. Criteria: CeGaT Center For Human Genetics Tuebingen Variant Classification Criteria Version 2. Collection method: clinical testing. Allele origin: germline. Affected: yes. Observed: 1 variant allele.
Comment: SDHA: BP4, BP7

Ambry Genetics
Classification: Likely benign for Hereditary cancer-predisposing syndrome. Last evaluated: 2016-08-03. Review status: criteria provided, single submitter. Criteria: Ambry Variant Classification Scheme 2023. Collection method: clinical testing. Allele origin: germline.